The following is an entry in ClinVar:

ClinVar aggregate classification (germline): Uncertain significance (1 of 4 stars; one submission).

Conditions:
Marfan syndrome (MFS). Also called: Marfan syndrome, classic; Marfan syndrome type 1; Marfan's syndrome; MARFAN SYNDROME, TYPE I; FBN1-Related Marfan Syndrome. Identifiers: Orphanet 284963, Orphanet 558, MedGen C0024796, MONDO:0007947, OMIM 154700.
Familial thoracic aortic aneurysm and aortic dissection (TAAD). Also called: Thoracic aortic aneurysms and dissections. Identifiers: Orphanet 91387, MedGen C4707243, MONDO:0019625.

Submission:

Labcorp Genetics (formerly Invitae), Labcorp
Classification: Uncertain significance for Marfan syndrome; Familial thoracic aortic aneurysm and aortic dissection. Last evaluated: 2021-05-19. Review status: criteria provided, single submitter. Criteria: Invitae Variant Classification Sherloc (09022015). Collection method: clinical testing. Allele origin: germline.
Comment: In summary, this variant is a novel missense change with uncertain impact on protein function and splicing. It has been classified as a Variant of Uncertain Significance. Algorithms developed to predict the effect of sequence changes on RNA splicing suggest that this variant may alter RNA splicing, but this prediction has not been confirmed by published transcriptional studies. Algorithms developed to predict the effect of missense changes on protein structure and function (SIFT, PolyPhen-2, Align-GVGD) all suggest that this variant is likely to be tolerated, but these predictions have not been confirmed by published functional studies. This variant is not present in population databases (ExAC no frequency) and has not been reported in the literature in individuals with a FBN1-related disease. This sequence change replaces glutamic acid with aspartic acid at codon 2742 of the FBN1 protein (p.Glu2742Asp). The glutamic acid residue is moderately conserved and there is a small physicochemical difference between glutamic acid and aspartic acid. It also falls at the last nucleotide of exon 65 of the FBN1 coding sequence.

NM_000138.5(FBN1):c.8226G>T (p.Glu2742Asp)

Gene: FBN1 (fibrillin 1; minus strand). Cytogenetic location: 15q21.1.
Variant type: single nucleotide variant.
Coding change: c.8226G>T on transcript NM_000138.5 (MANE Select); coding-DNA position 8226, G replaced by T.
Protein change: p.Glu2742Asp; replaces glutamic acid 2742 with aspartic acid.
Molecular consequence: missense variant.
Genome position (GRCh38, 1-based): chr15:48,412,569, C>A on the plus strand (G>T on the coding strand, the complement: FBN1 is on the minus strand). VCF-style: chr15-48412569-C-A. GRCh37 (hg19) VCF-style: chr15-48704766-C-A.
Other names: short protein forms E2742D.
Identifiers: ClinVar variation 406304 (VCV000406304.10), dbSNP rs1060501045, ClinGen allele CA16614380.
Genomic context (GRCh38, chr15:48,412,569, plus strand): 5'-AGGAATCTGGAAGGGCTTTCCACCACAGGAGACATCAGGAGAAACTAACTTCTGACCCAC[C>A]TCGATATTGGAGGCATCAGTTTCGTTTGTGCTTCTCCGTTTCCTGCCCCGTTTGGGGTAG-3'
Protein context (NP_000129.3, residues 2732-2752): STNETDASNI[Glu2742Asp]DQSETEANVS